The following is an entry in ClinVar:

ClinVar aggregate classification (germline): Uncertain significance (1 of 4 stars; one submission).

gnomAD v4.1: 6 of 1,551,794 alleles (0.00039%); highest among the groups gnomAD compares: Non-Finnish European, 0.00052%; no homozygotes.

Submission:

Labcorp Genetics (formerly Invitae), Labcorp
Classification: Uncertain significance. Last evaluated: 2020-01-08. Review status: criteria provided, single submitter. Criteria: Invitae Variant Classification Sherloc (09022015). Collection method: clinical testing. Allele origin: germline.
Comment: Algorithms developed to predict the effect of missense changes on protein structure and function are either unavailable or do not agree on the potential impact of this missense change (SIFT: "Deleterious"; PolyPhen-2: "Probably Damaging"; Align-GVGD: "Class C0"). This variant has not been reported in the literature in individuals with CPLANE1-related conditions. This variant is not present in population databases (ExAC no frequency). This sequence change replaces serine with arginine at codon 474 of the CPLANE1 protein (p.Ser474Arg). The serine residue is weakly conserved and there is a moderate physicochemical difference between serine and arginine. In summary, the available evidence is currently insufficient to determine the role of this variant in disease. Therefore, it has been classified as a Variant of Uncertain Significance.

NM_001384732.1(CPLANE1):c.1422C>G (p.Ser474Arg)

Gene: CPLANE1 (ciliogenesis and planar polarity effector complex subunit 1; minus strand). Cytogenetic location: 5p13.2.
Variant type: single nucleotide variant.
Coding change: c.1422C>G on transcript NM_001384732.1 (MANE Select); coding-DNA position 1422, C replaced by G.
Protein change: p.Ser474Arg; replaces serine 474 with arginine.
Molecular consequence: missense variant.
Genome position (GRCh38, 1-based): chr5:37,227,342, G>C on the plus strand (C>G on the coding strand, the complement: CPLANE1 is on the minus strand). VCF-style: chr5-37227342-G-C. GRCh37 (hg19) VCF-style: chr5-37227444-G-C.
Other names: c.1422C>G, p.Ser474Arg (NM_023073.4); short protein forms S474R.
Identifiers: ClinVar variation 1060998 (VCV001060998.9), dbSNP rs2150448449, ClinGen allele CA359503202.